The following is an entry in ClinVar:

ClinVar aggregate classification (germline): Pathogenic/Likely pathogenic. Review status: criteria provided, multiple submitters, no conflicts (2 of 4 stars). 2 submissions from 2 submitters: Pathogenic (1); Likely pathogenic (1). Last evaluated 2025-05-22.

Conditions:
Muscular dystrophy-dystroglycanopathy (congenital with brain and eye anomalies), type A2. Also called: WALKER-WARBURG SYNDROME OR MUSCLE-EYE-BRAIN DISEASE, POMT2-RELATED; MUSCULAR DYSTROPHY-DYSTROGLYCANOPATHY (CONGENITAL WITH BRAIN AND EYE ANOMALIES), TYPE A, 2. Identifiers: Orphanet 588, Orphanet 899, MedGen C3150411, MONDO:0013154, OMIM 613150.
Muscular dystrophy-dystroglycanopathy (congenital with impaired intellectual development), type B, 2. Also called: Muscular dystrophy-dystroglycanopathy (congenital with intellectual disability), type B2; MUSCULAR DYSTROPHY, CONGENITAL, POMT2-RELATED. Identifiers: MedGen C3150416, MONDO:0013160, OMIM 613156.
Autosomal recessive limb-girdle muscular dystrophy type 2N. Also called: MUSCULAR DYSTROPHY-DYSTROGLYCANOPATHY, LIMB-GIRDLE, POMT2-RELATED; Muscular dystrophy-dystroglycanopathy (limb-girdle), type C, 2. Identifiers: Orphanet 206559, MedGen C3150418, MONDO:0013162, OMIM 613158.

Allele frequency attached by ClinVar (database versions not stated): gnomAD exomes below 0.00001; TOPMed below 0.00001.

Submissions (2):

Labcorp Genetics (formerly Invitae), Labcorp
Classification: Pathogenic for Muscular dystrophy-dystroglycanopathy (congenital with impaired intellectual development), type B, 2; Muscular dystrophy-dystroglycanopathy (congenital with brain and eye anomalies), type A2; Autosomal recessive limb-girdle muscular dystrophy type 2N. Last evaluated: 2025-05-22. Review status: criteria provided, single submitter. Criteria: Invitae Variant Classification Sherloc (09022015). Collection method: clinical testing. Allele origin: germline.
Comment: This sequence change creates a premature translational stop signal (p.Trp225Glyfs*7) in the POMT2 gene. It is expected to result in an absent or disrupted protein product. Loss-of-function variants in POMT2 are known to be pathogenic (PMID: 15894594). This variant is not present in population databases (gnomAD no frequency). This variant has not been reported in the literature in individuals affected with POMT2-related conditions. ClinVar contains an entry for this variant (Variation ID: 649496). For these reasons, this variant has been classified as Pathogenic.

Baylor Genetics
Classification: Likely pathogenic for Muscular dystrophy-dystroglycanopathy (congenital with brain and eye anomalies), type A2. Last evaluated: 2023-04-15. Review status: criteria provided, single submitter. Criteria: ACMG Guidelines, 2015. Collection method: clinical testing. Allele origin: unknown.

Literature cited by the submitters: PubMed 15894594 (cited by Labcorp Genetics (formerly Invitae), Labcorp).

NM_013382.7(POMT2):c.673del (p.Trp225fs)

Genes: POMT2 (protein O-mannosyltransferase 2; minus strand), LOC130056175 (ATAC-STARR-seq lymphoblastoid silent region 5968; plus strand). Cytogenetic location: 14q24.3.
Variant type: Deletion.
Coding change: c.673del on transcript NM_013382.7 (MANE Select); coding-DNA position 673, one base deleted (T; older notation c.673delT).
Protein change: p.Trp225fs; shifts the reading frame from tryptophan 225.
Molecular consequence: frameshift variant.
Genome position (GRCh38, 1-based): chr14:77,301,233, A deleted on the plus strand (T on the coding strand, the reverse complement: POMT2 is on the minus strand). VCF-style (leftmost placement, unchanged base first): chr14-77301232-CA-C. GRCh37 (hg19) VCF-style: chr14-77767575-CA-C.
Other names: c.673delT (NM_013382.5); short protein forms W225fs.
Identifiers: ClinVar variation 649496 (VCV000649496.8), dbSNP rs1594796439, ClinGen allele CA915945996.